The following is an entry in ClinVar:

ClinVar aggregate classification (germline): Likely benign. Review status: reviewed by expert panel (3 of 4 stars). 7 submissions from 7 submitters: Likely benign (1). 6 of the submissions do not count toward it. Last evaluated 2017-06-29.

Conditions:
Hereditary breast ovarian cancer syndrome. Also called: Hereditary breast and ovarian cancer syndrome; Hereditary breast and ovarian cancer syndrome (HBOC); BRCA1- and BRCA2-Associated Hereditary Breast and Ovarian Cancer; Breast and ovarian cancer; Hereditary breast and ovarian cancer; Hereditary breast and/or ovarian cancer syndrome. Identifiers: Orphanet 145, MedGen C0677776, MeSH D061325, MONDO:0003582. Disease mechanism: loss of function.
Breast-ovarian cancer, familial, susceptibility to, 1 (BROVCA1). Also called: OVARIAN CANCER, SUSCEPTIBILITY TO; BRCA1 Hereditary Breast and Ovarian Cancer. Identifiers: Orphanet 145, MedGen C2676676, MONDO:0011450, OMIM 604370. Disease mechanism: loss of function.
Hereditary cancer-predisposing syndrome. Also called: Hereditary Cancer Syndrome; Hereditary neoplastic syndrome; Tumor predisposition; Neoplastic Syndromes, Hereditary. Identifiers: Orphanet 140162, MedGen C0027672, MeSH D009386, MONDO:0015356.

Allele frequency attached by ClinVar (database versions not stated): gnomAD exomes 0.00001.
gnomAD v4.1: 11 of 1,614,052 alleles (0.00068%); highest among the groups gnomAD compares: Non-Finnish European, 0.00085%; no homozygotes.

Submissions (7):

Evidence-based Network for the Interpretation of Germline Mutant Alleles (ENIGMA)
Classification: Likely benign for Breast-ovarian cancer, familial, susceptibility to, 1. Last evaluated: 2017-06-29. Review status: reviewed by expert panel. Criteria: ENIGMA BRCA1/2 Classification Criteria (2017-06-29). Collection method: curation. Allele origin: germline.
Comment: Synonymous substitution variant, with low bioinformatic likelihood to result in a splicing aberration (Splicing prior probability 0.02).

Labcorp Genetics (formerly Invitae), Labcorp
Classification: Likely benign for Hereditary breast ovarian cancer syndrome. Last evaluated: 2025-12-22. Review status: criteria provided, single submitter. Criteria: Invitae Variant Classification Sherloc (09022015). Collection method: clinical testing. Allele origin: germline. Not counted in ClinVar's aggregate classification.

All of Us Research Program, National Institutes of Health
Classification: Likely benign for Breast-ovarian cancer, familial, susceptibility to, 1. Last evaluated: 2023-07-22. Review status: criteria provided, single submitter. Criteria: ACMG Guidelines, 2015. Collection method: clinical testing. Allele origin: germline. Inheritance: Autosomal dominant inheritance. Observed: 1 variant allele, 1 heterozygote. Not counted in ClinVar's aggregate classification.
Comment: This study involves interpretation of variants in research participants for the purpose of population health screening. Participant phenotype was not available at the time of variant classification. Additional details can be found in publication PMID: 35346344, PMCID: PMC8962531

Women's Health and Genetics/Laboratory Corporation of America, LabCorp
Classification: Likely benign. Last evaluated: 2019-08-11. Review status: criteria provided, single submitter. Criteria: LabCorp Variant Classification Summary - May 2015. Collection method: clinical testing. Allele origin: germline. Not counted in ClinVar's aggregate classification.

Color Diagnostics, LLC DBA Color Health
Classification: Likely benign for Hereditary cancer-predisposing syndrome. Last evaluated: 2018-09-26. Review status: criteria provided, single submitter. Criteria: ACMG Guidelines, 2015. Collection method: clinical testing. Allele origin: germline. Not counted in ClinVar's aggregate classification.

Ambry Genetics
Classification: Likely benign for Hereditary cancer-predisposing syndrome. Last evaluated: 2014-12-15. Review status: criteria provided, single submitter. Criteria: Ambry Variant Classification Scheme 2023. Collection method: clinical testing. Allele origin: germline. Not counted in ClinVar's aggregate classification.

Counsyl
Classification: Likely benign for Breast-ovarian cancer, familial, susceptibility to, 1. Last evaluated: 2016-05-25. Review status: no assertion criteria provided. Collection method: clinical testing. Allele origin: unknown. Not counted in ClinVar's aggregate classification.

NM_007294.4(BRCA1):c.2913T>C (p.His971=)

Gene: BRCA1 (BRCA1 DNA repair associated; minus strand). Cytogenetic location: 17q21.31.
Variant type: single nucleotide variant.
Coding change: c.2913T>C on transcript NM_007294.4 (MANE Select); coding-DNA position 2913, T replaced by C.
Protein change: p.His971=; no amino-acid change (histidine 971 retained).
Molecular consequence: synonymous variant. On other transcripts: intron variant (137).
Genome position (GRCh38, 1-based): chr17:43,092,618, A>G on the plus strand (T>C on the coding strand, the complement: BRCA1 is on the minus strand). VCF-style: chr17-43092618-A-G. GRCh37 (hg19) VCF-style: chr17-41244635-A-G.
Other names: c.2910T>C, p.His970= (NM_001407860.1, NM_001407861.1, NM_001407587.1 and 22 more transcripts); c.2712T>C, p.His904= (NM_001407862.1); c.2790T>C, p.His930= (NM_001407863.1, NM_001407919.1, NM_001407937.1 and 19 more transcripts); c.2709T>C, p.His903= (NM_001407874.1, NM_001407875.1); c.2703T>C, p.His901= (NM_001407879.1, NM_001407881.1, NM_001407882.1 and 13 more transcripts); c.2700T>C, p.His900= (NM_001407894.1, NM_001407895.1, NM_001407896.1 and 9 more transcripts); c.2649T>C, p.His883= (NM_001407920.1, NM_001407921.1, NM_001407922.1 and 9 more transcripts); c.2646T>C, p.His882= (NM_001407930.1, NM_001407931.1, NM_001407932.1 and 2 more transcripts); and 41 more.
Identifiers: ClinVar variation 187531 (VCV000187531.25), dbSNP rs786203804, ClinGen allele CA001899.
Genomic context (GRCh38, chr17:43,092,618, plus strand): 5'-TTTAACAAATGACTTGATGGGAAAAAGTGGTGGTATACGATATGGGTTTTGTAAAAGTCC[A>G]TGTTTATTTGGAGTAATGAGTCCAGTTTCGTTGCCTCTGAACTGAGATGATAGACAAAAC-3'
Protein context (NP_009225.1, residues 961-981): NETGLITPNK[His971=]GLLQNPYRIP